The following is an entry in ClinVar:

ClinVar aggregate classification (germline): Uncertain significance (1 of 4 stars; one submission).

Conditions:
Adams-Oliver syndrome 5 (AOS5). Identifiers: Orphanet 974, MedGen C4014970, MONDO:0014459, OMIM 616028.

Submission:

Labcorp Genetics (formerly Invitae), Labcorp
Classification: Uncertain significance for Adams-Oliver syndrome 5. Last evaluated: 2022-08-16. Review status: criteria provided, single submitter. Criteria: Invitae Variant Classification Sherloc (09022015). Collection method: clinical testing. Allele origin: germline.
Comment: This sequence change replaces threonine, which is neutral and polar, with isoleucine, which is neutral and non-polar, at codon 906 of the NOTCH1 protein (p.Thr906Ile). This variant is not present in population databases (gnomAD no frequency). This variant has not been reported in the literature in individuals affected with NOTCH1-related conditions. ClinVar contains an entry for this variant (Variation ID: 1390504). Advanced modeling of protein sequence and biophysical properties (such as structural, functional, and spatial information, amino acid conservation, physicochemical variation, residue mobility, and thermodynamic stability) performed at Invitae indicates that this missense variant is not expected to disrupt NOTCH1 protein function. In summary, the available evidence is currently insufficient to determine the role of this variant in disease. Therefore, it has been classified as a Variant of Uncertain Significance.

NM_017617.5(NOTCH1):c.2717C>T (p.Thr906Ile)

Gene: NOTCH1 (notch receptor 1; minus strand). Cytogenetic location: 9q34.3.
Variant type: single nucleotide variant.
Coding change: c.2717C>T on transcript NM_017617.5 (MANE Select); coding-DNA position 2717, C replaced by T.
Protein change: p.Thr906Ile; replaces threonine 906 with isoleucine.
Molecular consequence: missense variant.
Genome position (GRCh38, 1-based): chr9:136,510,676, G>A on the plus strand (C>T on the coding strand, the complement: NOTCH1 is on the minus strand). VCF-style: chr9-136510676-G-A. GRCh37 (hg19) VCF-style: chr9-139405128-G-A.
Other names: short protein forms T906I.
Identifiers: ClinVar variation 1390504 (VCV001390504.6), dbSNP rs2133352988, ClinGen allele CA375554793.